The following is an entry in ClinVar:

NM_014000.3(VCL):c.1295T>C (p.Leu432Pro)

Gene: VCL (vinculin; plus strand). Cytogenetic location: 10q22.2.
Variant type: single nucleotide variant.
Coding change: c.1295T>C on transcript NM_014000.3 (MANE Select); coding-DNA position 1295, T replaced by C.
Protein change: p.Leu432Pro; replaces leucine 432 with proline.
Molecular consequence: missense variant.
Genome position (GRCh38, 1-based): chr10:74,090,141, T>C. VCF-style: chr10-74090141-T-C. GRCh37 (hg19) VCF-style: chr10-75849899-T-C.
Other names: c.1295T>C, p.Leu432Pro (NM_003373.4); short protein forms L432P.
Identifiers: ClinVar variation 3687065 (VCV003687065.2).

ClinVar aggregate classification (germline): Uncertain significance (1 of 4 stars; one submission).

Conditions:
Dilated cardiomyopathy 1W (CMD1W). Identifiers: Orphanet 154, MedGen C1969639, MONDO:0012667, OMIM 611407.

Submission:

Labcorp Genetics (formerly Invitae), Labcorp
Classification: Uncertain significance for Dilated cardiomyopathy 1W. Last evaluated: 2026-01-15. Review status: criteria provided, single submitter. Criteria: Invitae Variant Classification Sherloc (09022015). Collection method: clinical testing. Allele origin: germline.
Comment: This sequence change replaces leucine, which is neutral and non-polar, with proline, which is neutral and non-polar, at codon 432 of the VCL protein (p.Leu432Pro). This variant is not present in population databases (gnomAD no frequency). This variant has not been reported in the literature in individuals affected with VCL-related conditions. ClinVar contains an entry for this variant (Variation ID: 3687065). An algorithm developed to predict the effect of missense changes on protein structure and function (PolyPhen-2) suggests that this variant is likely to be disruptive. In summary, the available evidence is currently insufficient to determine the role of this variant in disease. Therefore, it has been classified as a Variant of Uncertain Significance.